The following is an entry in ClinVar:

ClinVar aggregate classification (germline): Pathogenic (1 of 4 stars; one submission).

Conditions:
Bethlem myopathy 1A. Also called: MYOPATHY, BENIGN CONGENITAL, WITH CONTRACTURES; Bethlem Muscular Dystrophy; Bethlem myopathy 1. Identifiers: Orphanet 610, MedGen CN029274, MONDO:0024530, OMIM 158810.

Submission:

Labcorp Genetics (formerly Invitae), Labcorp
Classification: Pathogenic for Bethlem myopathy 1A. Last evaluated: 2019-03-18. Review status: criteria provided, single submitter. Criteria: Invitae Variant Classification Sherloc (09022015). Collection method: clinical testing. Allele origin: germline.
Comment: For these reasons, this variant has been classified as Pathogenic. Loss-of-function variants in COL6A3 are known to be pathogenic (PMID: 26004199). This variant has not been reported in the literature in individuals with COL6A3-related conditions. This variant is not present in population databases (ExAC no frequency). This sequence change creates a premature translational stop signal (p.Gln2556*) in the COL6A3 gene. It is expected to result in an absent or disrupted protein product.

Literature cited by the submitters: PubMed 26004199.

NM_004369.4(COL6A3):c.7666C>T (p.Gln2556Ter)

Gene: COL6A3 (collagen type VI alpha 3 chain; minus strand). Cytogenetic location: 2q37.3.
Variant type: single nucleotide variant.
Coding change: c.7666C>T on transcript NM_004369.4 (MANE Select); coding-DNA position 7666, C replaced by T.
Protein change: p.Gln2556Ter; replaces glutamine 2556 with a stop codon.
Molecular consequence: nonsense.
Genome position (GRCh38, 1-based): chr2:237,344,352, G>A on the plus strand (C>T on the coding strand, the complement: COL6A3 is on the minus strand). VCF-style: chr2-237344352-G-A. GRCh37 (hg19) VCF-style: chr2-238252995-G-A.
Other names: c.5845C>T, p.Gln1949Ter (NM_057166.5); c.7048C>T, p.Gln2350Ter (NM_057167.4); short protein forms Q1949*, Q2350*, Q2556*.
Identifiers: ClinVar variation 844437 (VCV000844437.8), dbSNP rs2077054122, ClinGen allele CA351201437.